The following is an entry in ClinVar:

ClinVar aggregate classification (germline): Likely benign. Review status: criteria provided, multiple submitters, no conflicts (2 of 4 stars). 3 submissions from 3 submitters: Likely benign (3). Last evaluated 2025-09-15.

Allele frequency attached by ClinVar (database versions not stated): ExAC 0.00006; gnomAD exomes 0.00006 and 0.00013; TOPMed 0.00010; gnomAD 0.00011; ESP Exome Variant Server 0.00023.
gnomAD v4.1: 216 of 1,614,044 alleles (0.013%); highest among the groups gnomAD compares: Middle Eastern, 0.016%; no homozygotes.

Submissions (3):

Labcorp Genetics (formerly Invitae), Labcorp
Classification: Likely benign. Last evaluated: 2025-09-15. Review status: criteria provided, single submitter. Criteria: Invitae Variant Classification Sherloc (09022015). Collection method: clinical testing. Allele origin: germline.

Blueprint Genetics
Classification: Likely benign. Last evaluated: 2024-11-14. Review status: criteria provided, single submitter. Criteria: ACMG Guidelines, 2015. Collection method: clinical testing. Allele origin: germline.

Laboratory for Molecular Medicine, Mass General Brigham Personalized Medicine
Classification: Likely benign. Last evaluated: 2017-01-24. Review status: criteria provided, single submitter. Criteria: LMM Criteria. Collection method: clinical testing. Allele origin: germline. Observed: 1 variant allele.
Comment: p.Thr283Thr in exon 06 of GRHL2: This variant is not expected to have clinical s ignificance because it does not alter an amino acid residue, is not located with in the splice consensus sequence, and has been identified in 5/66688 European ch romosomes by the Exome Aggregation Consortium (ExAC. org; dbSNP rs138628340).

NM_024915.4(GRHL2):c.849C>T (p.Thr283=)

Gene: GRHL2 (grainyhead like transcription factor 2; plus strand). Cytogenetic location: 8q22.3.
Variant type: single nucleotide variant.
Coding change: c.849C>T on transcript NM_024915.4 (MANE Select); coding-DNA position 849, C replaced by T.
Protein change: p.Thr283=; no amino-acid change (threonine 283 retained).
Molecular consequence: synonymous variant.
Genome position (GRCh38, 1-based): chr8:101,573,782, C>T. VCF-style: chr8-101573782-C-T. GRCh37 (hg19) VCF-style: chr8-102586010-C-T.
Other names: c.801C>T, p.Thr267= (NM_001330593.2).
Identifiers: ClinVar variation 504592 (VCV000504592.9), dbSNP rs138628340, ClinGen allele CA4830402.